The following is an entry in ClinVar:

NM_032266.5(SPATA31H1):c.13524C>T (p.Pro4508=)

Gene: SPATA31H1 (SPATA31 subfamily H member 1; plus strand). Cytogenetic location: 2p23.3.
Variant type: single nucleotide variant.
Coding change: c.13524C>T on transcript NM_032266.5 (MANE Select); coding-DNA position 13524, C replaced by T.
Protein change: p.Pro4508=; no amino-acid change (proline 4508 retained).
Molecular consequence: synonymous variant.
Genome position (GRCh38, 1-based): chr2:27,579,884, C>T. VCF-style: chr2-27579884-C-T. GRCh37 (hg19) VCF-style: chr2-27802751-C-T.
Identifiers: ClinVar variation 2650773 (VCV002650773.23), dbSNP rs375978019, ClinGen allele CA1582767.

ClinVar aggregate classification (germline): Likely benign (1 of 4 stars; one submission).

Allele frequency attached by ClinVar (database versions not stated): ESP Exome Variant Server 0.00017; gnomAD 0.00034; ExAC 0.00098; 1000 Genomes Project 0.00120; 1000 Genomes Project 30x 0.00125.
gnomAD v4.1: 771 of 1,614,208 alleles (0.048%); highest among the groups gnomAD compares: South Asian, 0.59%; 8 homozygotes.

Submission:

CeGaT Center for Human Genetics Tuebingen
Classification: Likely benign. Last evaluated: 2022-07-01. Review status: criteria provided, single submitter. Criteria: CeGaT Center For Human Genetics Tuebingen Variant Classification Criteria Version 2. Collection method: clinical testing. Allele origin: germline. Affected: yes. Observed: 1 variant allele.
Comment: SPATA31H1: BP4, BP7